The following is an entry in ClinVar:

ClinVar aggregate classification (germline): Likely benign. Review status: criteria provided, multiple submitters, no conflicts (2 of 4 stars). 3 submissions from 3 submitters: Likely benign (3). Last evaluated 2025-09-15.

Allele frequency attached by ClinVar (database versions not stated): gnomAD 0.00001; gnomAD exomes 0.00001 and 0.00002; TOPMed 0.00001; ExAC 0.00002; ESP Exome Variant Server 0.00008.
gnomAD v4.1: 22 of 1,613,926 alleles (0.0014%); highest among the groups gnomAD compares: Non-Finnish European, 0.0018%; no homozygotes.

Submissions (3):

Labcorp Genetics (formerly Invitae), Labcorp
Classification: Likely benign. Last evaluated: 2025-09-15. Review status: criteria provided, single submitter. Criteria: Invitae Variant Classification Sherloc (09022015). Collection method: clinical testing. Allele origin: germline.

Mayo Clinic Laboratories, Mayo Clinic
Classification: Likely benign. Last evaluated: 2025-03-12. Review status: criteria provided, single submitter. Criteria: ACMG Guidelines, 2015. Collection method: clinical testing. Allele origin: germline. Observed: 1 variant allele.
Comment: BS1, BP4, BP7

Laboratory for Molecular Medicine, Mass General Brigham Personalized Medicine
Classification: Likely benign. Last evaluated: 2012-04-30. Review status: criteria provided, single submitter. Criteria: LMM Criteria. Collection method: clinical testing. Allele origin: germline. Observed: 1 variant allele.
Comment: Val855Val in Exon 21 of MYH9: This variant is not expected to have clinical sign ificance because it does not alter an amino acid residue, is not located within the splice consensus sequence, and has been identified in 1/7020 European Americ an chromosomes from a broad population by the NHLBI Exome Sequencing Project.

NM_002473.6(MYH9):c.2565G>A (p.Val855=)

Gene: MYH9 (myosin heavy chain 9; minus strand). Cytogenetic location: 22q12.3.
Variant type: single nucleotide variant.
Coding change: c.2565G>A on transcript NM_002473.6 (MANE Select); coding-DNA position 2565, G replaced by A.
Protein change: p.Val855=; no amino-acid change (valine 855 retained).
Molecular consequence: synonymous variant.
Genome position (GRCh38, 1-based): chr22:36,301,600, C>T on the plus strand (G>A on the coding strand, the complement: MYH9 is on the minus strand). VCF-style: chr22-36301600-C-T. GRCh37 (hg19) VCF-style: chr22-36697646-C-T.
Other names: p.Val855=.
Identifiers: ClinVar variation 227604 (VCV000227604.10), dbSNP rs370413515, ClinGen allele CA10209935.